The following is an entry in ClinVar:

ClinVar aggregate classification (germline): Uncertain significance (1 of 4 stars; one submission).

Conditions:
BAP1-related tumor predisposition syndrome (TPDS1). Also called: COMMON Syndrome; Tumor susceptibility linked to germline BAP1 mutations; TUMOR PREDISPOSITION SYNDROME 1; BAP1 tumor predisposition syndrome. Identifiers: Orphanet 289539, MedGen C3280492, MONDO:0013692, OMIM 614327.

Submission:

Labcorp Genetics (formerly Invitae), Labcorp
Classification: Uncertain significance for BAP1-related tumor predisposition syndrome. Last evaluated: 2022-11-17. Review status: criteria provided, single submitter. Criteria: Invitae Variant Classification Sherloc (09022015). Collection method: clinical testing. Allele origin: germline.
Comment: This variant is not present in population databases (gnomAD no frequency). In summary, the available evidence is currently insufficient to determine the role of this variant in disease. Therefore, it has been classified as a Variant of Uncertain Significance. Advanced modeling of protein sequence and biophysical properties (such as structural, functional, and spatial information, amino acid conservation, physicochemical variation, residue mobility, and thermodynamic stability) performed at Invitae indicates that this missense variant is not expected to disrupt BAP1 protein function. This variant has not been reported in the literature in individuals affected with BAP1-related conditions. This sequence change replaces leucine, which is neutral and non-polar, with phenylalanine, which is neutral and non-polar, at codon 416 of the BAP1 protein (p.Leu416Phe).

NM_004656.4(BAP1):c.1246C>T (p.Leu416Phe)

Gene: BAP1 (BRCA1 associated deubiquitinase 1; minus strand). Cytogenetic location: 3p21.1.
Variant type: single nucleotide variant.
Coding change: c.1246C>T on transcript NM_004656.4 (MANE Select); coding-DNA position 1246, C replaced by T.
Protein change: p.Leu416Phe; replaces leucine 416 with phenylalanine.
Molecular consequence: missense variant.
Genome position (GRCh38, 1-based): chr3:52,404,457, G>A on the plus strand (C>T on the coding strand, the complement: BAP1 is on the minus strand). VCF-style: chr3-52404457-G-A. GRCh37 (hg19) VCF-style: chr3-52438473-G-A.
Other names: c.1192C>T, p.Leu398Phe (NM_001410772.1); short protein forms L398F, L416F.
Identifiers: ClinVar variation 2880618 (VCV002880618.3), dbSNP rs2153226824, ClinGen allele CA353102708.